The following is an entry in ClinVar:

ClinVar aggregate classification (germline): Uncertain significance (1 of 4 stars; one submission).

Submission:

Labcorp Genetics (formerly Invitae), Labcorp
Classification: Uncertain significance. Last evaluated: 2024-10-24. Review status: criteria provided, single submitter. Criteria: Invitae Variant Classification Sherloc (09022015). Collection method: clinical testing. Allele origin: germline.
Comment: This sequence change replaces proline, which is neutral and non-polar, with threonine, which is neutral and polar, at codon 986 of the PTPN23 protein (p.Pro986Thr). This variant is not present in population databases (gnomAD no frequency). This variant has not been reported in the literature in individuals affected with PTPN23-related conditions. ClinVar contains an entry for this variant (Variation ID: 2109988). Experimental studies and prediction algorithms are not available or were not evaluated, and the functional significance of this variant is currently unknown. In summary, the available evidence is currently insufficient to determine the role of this variant in disease. Therefore, it has been classified as a Variant of Uncertain Significance.

NM_015466.4(PTPN23):c.2956C>A (p.Pro986Thr)

Gene: PTPN23 (protein tyrosine phosphatase non-receptor type 23; plus strand). Cytogenetic location: 3p21.31.
Variant type: single nucleotide variant.
Coding change: c.2956C>A on transcript NM_015466.4 (MANE Select); coding-DNA position 2956, C replaced by A.
Protein change: p.Pro986Thr; replaces proline 986 with threonine.
Molecular consequence: missense variant.
Genome position (GRCh38, 1-based): chr3:47,410,754, C>A. VCF-style: chr3-47410754-C-A. GRCh37 (hg19) VCF-style: chr3-47452244-C-A.
Other names: c.2578C>A, p.Pro860Thr (NM_001304482.2); short protein forms P986T, P860T.
Identifiers: ClinVar variation 2109988 (VCV002109988.4), dbSNP rs2546251864, ClinGen allele CA352560861.